The following is an entry in ClinVar:

ClinVar aggregate classification (germline): Likely benign. Review status: criteria provided, multiple submitters, no conflicts (2 of 4 stars). 2 submissions from 2 submitters: Likely benign (2). Last evaluated 2024-07-10.

Conditions:
Hypercholesterolemia, autosomal dominant, 3 (FHCL3). Also called: Familial Hypercholesterolemia, Autosomal Dominant, 3; PCSK9-Related Familial Hypercholesterolemia, Autosomal Dominant; Familial hypercholesterolemia 3. Identifiers: MedGen C1863551, MONDO:0011369, OMIM 603776.

Submissions (2):

All of Us Research Program, National Institutes of Health
Classification: Likely benign for Hypercholesterolemia, autosomal dominant, 3. Last evaluated: 2024-07-10. Review status: criteria provided, single submitter. Criteria: ACMG Guidelines, 2015. Collection method: clinical testing. Allele origin: germline. Inheritance: Autosomal dominant inheritance. Observed: 1 variant allele, 1 heterozygote.
Comment: This study involves interpretation of variants in research participants for the purpose of population health screening. Participant phenotype was not available at the time of variant classification. Additional details can be found in publication PMID: 35346344, PMCID: PMC8962531

Labcorp Genetics (formerly Invitae), Labcorp
Classification: Likely benign for Hypercholesterolemia, autosomal dominant, 3. Last evaluated: 2024-05-04. Review status: criteria provided, single submitter. Criteria: Invitae Variant Classification Sherloc (09022015). Collection method: clinical testing. Allele origin: germline.

NM_174936.4(PCSK9):c.45G>A (p.Leu15=)

Gene: PCSK9 (proprotein convertase subtilisin/kexin type 9; plus strand). Cytogenetic location: 1p32.3.
Variant type: single nucleotide variant.
Coding change: c.45G>A on transcript NM_174936.4 (MANE Select); coding-DNA position 45, G replaced by A.
Protein change: p.Leu15=; no amino-acid change (leucine 15 retained).
Molecular consequence: synonymous variant. On other transcripts: 5 prime UTR variant (1), non-coding transcript variant (8).
Genome position (GRCh38, 1-based): chr1:55,039,882, G>A. VCF-style: chr1-55039882-G-A. GRCh37 (hg19) VCF-style: chr1-55505555-G-A.
Other names: c.45G>A, p.Leu15= (NM_001407240.1, NM_001407241.1, NM_001407242.1 and 4 more transcripts); c.-690G>A (NM_001407246.1).
Identifiers: ClinVar variation 3387417 (VCV003387417.3).